The following is an entry in ClinVar:

ClinVar aggregate classification (germline): Likely pathogenic (1 of 4 stars; one submission).

Conditions:
Greig cephalopolysyndactyly syndrome (GCPS). Also called: GLI3-Related Greig Cephalopolysyndactyly Syndrome; POLYSYNDACTYLY WITH PECULIAR SKULL SHAPE; Greig syndrome. Identifiers: Orphanet 380, MedGen C0265306, MONDO:0008287, OMIM 175700.

Submission:

HUSP Clinical Genetics Laboratory, Hospital Universitario San Pedro De Logroño (HUSP)
Classification: Likely pathogenic for Greig cephalopolysyndactyly syndrome. Review status: criteria provided, single submitter. Criteria: ACMG Guidelines, 2015. Collection method: clinical testing. Allele origin: paternal. Inheritance: Autosomal dominant inheritance. Affected: yes. Observed: 2 variant alleles.
Comment: They both were heterozygous for the variant c.4445delC in the exon 15 of gen GLI3 NM_000168. It results in a frameshift, a premature termination codon and, therefore, a truncated protein (p.Pro1482GlnfsTer6). This variant is not detected in general population and has not been reported in pathogenic data bases. Pathogenic variants in gen GLI3 have been associated with Grieg Syndrome with cephalopolysyndactyly (GCPS; OMIM 175700) or with Pallister-Hall Syndrome (PHS; OMIM 146510) both with autosomal dominant inheritance. According to the variant position in the gen, it is more likely to correlate with GCPS phenotype which includes macrocephaly.

NM_000168.6(GLI3):c.4445del (p.Pro1482fs)

Gene: GLI3 (GLI family zinc finger 3; minus strand). Cytogenetic location: 7p14.1.
Variant type: Deletion.
Coding change: c.4445del on transcript NM_000168.6 (MANE Select); coding-DNA position 4445, one base deleted (C; older notation c.4445delC).
Protein change: p.Pro1482fs; shifts the reading frame from proline 1482.
Molecular consequence: frameshift variant.
Genome position (GRCh38, 1-based): chr7:41,964,628, G deleted on the plus strand (C on the coding strand, the reverse complement: GLI3 is on the minus strand); the first of 4 consecutive G bases (chr7:41,964,628-41,964,631); deleting any one gives the same sequence. VCF-style (leftmost placement, unchanged base first): chr7-41964627-TG-T. GRCh37 (hg19) VCF-style: chr7-42004225-TG-T.
Other names: c.4445delC (NM_000168.6); short protein forms P1482fs.
Identifiers: ClinVar variation 3237191 (VCV003237191.1), dbSNP rs2484363262.